The following is an entry in ClinVar:

NM_000038.6(APC):c.6005C>G (p.Pro2002Arg)

Gene: APC (APC regulator of Wnt signaling pathway; plus strand). Cytogenetic location: 5q22.2.
Variant type: single nucleotide variant.
Coding change: c.6005C>G on transcript NM_000038.6 (MANE Select); coding-DNA position 6005, C replaced by G.
Protein change: p.Pro2002Arg; replaces proline 2002 with arginine.
Molecular consequence: missense variant.
Genome position (GRCh38, 1-based): chr5:112,841,599, C>G. VCF-style: chr5-112841599-C-G. GRCh37 (hg19) VCF-style: chr5-112177296-C-G.
Other names: c.6005C>G, p.Pro2002Arg (NM_001127510.3, NM_001354895.2, NM_001407450.1); c.5951C>G, p.Pro1984Arg (NM_001127511.3); c.6059C>G, p.Pro2020Arg (NM_001354896.2, NM_001407447.1, NM_001407448.1 and 1 more transcripts); c.6035C>G, p.Pro2012Arg (NM_001354897.2); c.5930C>G, p.Pro1977Arg (NM_001354898.2); c.5921C>G, p.Pro1974Arg (NM_001354899.2); c.5882C>G, p.Pro1961Arg (NM_001354900.2); c.5828C>G, p.Pro1943Arg (NM_001354901.2, NM_001407453.1); and 11 more; short protein forms P1618R, P1876R, P1901R, P1911R, P1977R, P1995R, P2012R, P1842R.
Identifiers: ClinVar variation 1751042 (VCV001751042.8), dbSNP rs776504812, ClinGen allele CA043709.

ClinVar aggregate classification (germline): Uncertain significance. Review status: criteria provided, multiple submitters, no conflicts (2 of 4 stars). 2 submissions from 2 submitters: Uncertain significance (2). Last evaluated 2025-08-13.

Conditions:
Hereditary cancer-predisposing syndrome. Also called: Hereditary Cancer Syndrome; Hereditary neoplastic syndrome; Neoplastic Syndromes, Hereditary; Tumor predisposition. Identifiers: Orphanet 140162, MedGen C0027672, MeSH D009386, MONDO:0015356.
Familial adenomatous polyposis 1 (FAP1). Also called: FAMILIAL ADENOMATOUS POLYPOSIS 1, ATTENUATED; POLYPOSIS, ADENOMATOUS INTESTINAL. Identifiers: MedGen C2713442, MONDO:0021056, OMIM 175100. Disease mechanism: loss of function.

Allele frequency attached by ClinVar (database versions not stated): ExAC 0.00001.
gnomAD v4.1: 1 of 1,613,496 alleles (0.000062%); no homozygotes.

Submissions (2):

Labcorp Genetics (formerly Invitae), Labcorp
Classification: Uncertain significance for Familial adenomatous polyposis 1. Last evaluated: 2025-08-13. Review status: criteria provided, single submitter. Criteria: Invitae Variant Classification Sherloc (09022015). Collection method: clinical testing. Allele origin: germline.
Comment: This sequence change replaces proline, which is neutral and non-polar, with arginine, which is basic and polar, at codon 2002 of the APC protein (p.Pro2002Arg). This variant is present in population databases (rs776504812, gnomAD no frequency). This variant has not been reported in the literature in individuals affected with APC-related conditions. ClinVar contains an entry for this variant (Variation ID: 1751042). Invitae Evidence Modeling of protein sequence and biophysical properties (such as structural, functional, and spatial information, amino acid conservation, physicochemical variation, residue mobility, and thermodynamic stability) indicates that this missense variant is not expected to disrupt APC protein function with a negative predictive value of 95%. In summary, the available evidence is currently insufficient to determine the role of this variant in disease. Therefore, it has been classified as a Variant of Uncertain Significance.

Ambry Genetics
Classification: Uncertain significance for Hereditary cancer-predisposing syndrome. Last evaluated: 2023-02-27. Review status: criteria provided, single submitter. Criteria: Ambry Variant Classification Scheme 2023. Collection method: clinical testing. Allele origin: germline.
Comment: The p.P2002R variant (also known as c.6005C>G), located in coding exon 15 of the APC gene, results from a C to G substitution at nucleotide position 6005. The proline at codon 2002 is replaced by arginine, an amino acid with dissimilar properties. This amino acid position is well conserved in available vertebrate species. In addition, in silico predictors for this gene do not accurately predict pathogenicity. Since supporting evidence is limited at this time, the clinical significance of this alteration remains unclear.